The following is an entry in ClinVar:

ClinVar aggregate classification (germline): Likely benign (1 of 4 stars; one submission).

Conditions:
Nail-patella syndrome (NPS). Also called: FONG DISEASE; ONYCHOOSTEODYSPLASIA; TURNER-KIESER SYNDROME. Identifiers: Orphanet 2614, MedGen C0027341, MONDO:0008061, OMIM 161200.

Allele frequency attached by ClinVar (database versions not stated): ExAC 0.00010; gnomAD exomes 0.00010; gnomAD 0.00021 and 0.00024; ESP Exome Variant Server 0.00023; TOPMed 0.00023; 1000 Genomes Project 30x 0.00094; 1000 Genomes Project 0.00100.

Submission:

Illumina Laboratory Services, Illumina
Classification: Likely benign for Nail-patella syndrome. Last evaluated: 2018-01-13. Review status: criteria provided, single submitter. Criteria: ICSL Variant Classification Criteria 13 December 2019. Collection method: clinical testing. Allele origin: germline.
Comment: This variant was observed in the ICSL laboratory as part of a predisposition screen in an ostensibly healthy population. It had not been previously curated by ICSL or reported in the Human Gene Mutation Database (HGMD: prior to June 1st, 2018), and was therefore a candidate for classification through an automated scoring system. Utilizing variant allele frequency, disease prevalence and penetrance estimates, and inheritance mode, an automated score was calculated to assess if this variant is too frequent to cause the disease. Based on the score and internal cut-off values, a variant classified as likely benign is not then subjected to further curation. The score for this variant resulted in a classification of likely benign for this disease.

NM_001174147.2(LMX1B):c.*13C>T

Gene: LMX1B (LIM homeobox transcription factor 1 beta; plus strand). Cytogenetic location: 9q33.3.
Variant type: single nucleotide variant.
Coding change: c.*13C>T on transcript NM_001174147.2 (MANE Select); 13 bases downstream of the stop codon, C replaced by T.
Molecular consequence: 3 prime UTR variant.
Genome position (GRCh38, 1-based): chr9:126,696,464, C>T. VCF-style: chr9-126696464-C-T. GRCh37 (hg19) VCF-style: chr9-129458743-C-T.
Other names: c.*13C>T (NM_001174146.2, NM_002316.4).
Identifiers: ClinVar variation 913734 (VCV000913734.4), dbSNP rs375458623, ClinGen allele CA5242592.